The following is an entry in ClinVar:

NM_001035.3(RYR2):c.6441-19C>T

Gene: RYR2 (ryanodine receptor 2; plus strand). Cytogenetic location: 1q43.
Variant type: single nucleotide variant.
Coding change: c.6441-19C>T on transcript NM_001035.3 (MANE Select); 19 bases into the intron before coding-DNA position 6441, C replaced by T.
Molecular consequence: intron variant.
Genome position (GRCh38, 1-based): chr1:237,631,408, C>T. VCF-style: chr1-237631408-C-T. GRCh37 (hg19) VCF-style: chr1-237794708-C-T.
Other names: c.6441-19C>T (LRG_402t1).
Identifiers: ClinVar variation 138948 (VCV000138948.29), dbSNP rs140440259, ClinGen allele CA010151.

ClinVar aggregate classification (germline): Benign/Likely benign. Review status: criteria provided, multiple submitters, no conflicts (2 of 4 stars). 11 submissions from 11 submitters: Benign (5); Likely benign (1). 5 of the submissions do not count toward it. Last evaluated 2026-01-31.

Conditions:
Catecholaminergic polymorphic ventricular tachycardia 1. Also called: RYR2-Related Catecholaminergic Polymorphic Ventricular Tachycardia; VENTRICULAR TACHYCARDIA, STRESS-INDUCED POLYMORPHIC 1; VENTRICULAR TACHYCARDIA, CATECHOLAMINERGIC POLYMORPHIC, 1, WITH OR WITHOUT ATRIAL DYSFUNCTION AND/OR DILATED CARDIOMYOPATHY. Identifiers: Orphanet 3286, MedGen C1631597, MONDO:0011484, OMIM 604772.

Allele frequency attached by ClinVar (database versions not stated): TOPMed 0.00155; 1000 Genomes Project 30x 0.00156; 1000 Genomes Project 0.00180; gnomAD 0.00239; gnomAD exomes 0.00258; ESP Exome Variant Server 0.00265; ExAC 0.00378.
gnomAD v4.1: 3,856 of 1,495,960 alleles (0.26%); highest among the groups gnomAD compares: Non-Finnish European, 0.27%; 10 homozygotes.

Submissions (11):

Labcorp Genetics (formerly Invitae), Labcorp
Classification: Benign for Catecholaminergic polymorphic ventricular tachycardia 1. Last evaluated: 2026-01-31. Review status: criteria provided, single submitter. Criteria: Invitae Variant Classification Sherloc (09022015). Collection method: clinical testing. Allele origin: germline.

Blueprint Genetics
Classification: Likely benign. Last evaluated: 2024-11-18. Review status: criteria provided, single submitter. Criteria: ACMG Guidelines, 2015. Collection method: clinical testing. Allele origin: germline.

ARUP Laboratories, Molecular Genetics and Genomics, ARUP Laboratories
Classification: Benign. Last evaluated: 2024-10-21. Review status: criteria provided, single submitter. Criteria: ARUP Molecular Germline Variant Investigation Process 2024. Collection method: clinical testing. Allele origin: germline.

Women's Health and Genetics/Laboratory Corporation of America, LabCorp
Classification: Benign. Last evaluated: 2020-01-20. Review status: criteria provided, single submitter. Criteria: LabCorp Variant Classification Summary - May 2015. Collection method: clinical testing. Allele origin: germline.
Comment: Variant summary: RYR2 c.6441-19C>T alters a non-conserved nucleotide located close to a canonical splice site and therefore could affect mRNA splicing, leading to a significantly altered protein sequence. 4/4 computational tools predict no significant impact on normal splicing. However, these predictions have yet to be confirmed by functional studies. The variant allele was found at a frequency of 0.0026 in 240326 control chromosomes in the gnomAD database, including 2 homozygotes. The observed variant frequency is approximately 43 fold of the estimated maximal expected allele frequency for a pathogenic variant in RYR2 causing Arrhythmia phenotype (6e-05), strongly suggesting that the variant is benign. To our knowledge, no occurrence of c.6441-19C>T in individuals affected with Arrhythmia and no experimental evidence demonstrating its impact on protein function have been reported. No clinical diagnostic laboratories have submitted clinical-significance assessments for this variant to ClinVar after 2014. Based on the evidence outlined above, the variant was classified as benign.

GeneDx
Classification: Benign. Last evaluated: 2012-11-28. Review status: criteria provided, single submitter. Criteria: GeneDx Variant Classification (06012015). Collection method: clinical testing. Allele origin: germline. Affected: yes.
Comment: This variant is considered likely benign or benign based on one or more of the following criteria: it is a conservative change, it occurs at a poorly conserved position in the protein, it is predicted to be benign by multiple in silico algorithms, and/or has population frequency not consistent with disease.

Breakthrough Genomics
Classification: Benign. Review status: criteria provided, single submitter. Criteria: ACMG Guidelines, 2015. Collection method: not provided. Allele origin: germline. Inheritance: Autosomal dominant inheritance. Affected: yes.

Clinical Genetics DNA and cytogenetics Diagnostics Lab, Erasmus MC, Erasmus Medical Center
Classification: Benign. Review status: no assertion criteria provided. Collection method: clinical testing. Allele origin: germline. Affected: yes. Study: VKGL Data-share Consensus. Not counted in ClinVar's aggregate classification.

Clinical Genetics, Academic Medical Center
Classification: Benign. Review status: no assertion criteria provided. Collection method: clinical testing. Allele origin: germline. Affected: yes. Study: VKGL Data-share Consensus. Not counted in ClinVar's aggregate classification.

Diagnostic Laboratory, Department of Genetics, University Medical Center Groningen
Classification: Likely benign. Review status: no assertion criteria provided. Collection method: clinical testing. Allele origin: germline. Affected: yes. Study: VKGL Data-share Consensus. Not counted in ClinVar's aggregate classification.

Genome Diagnostics Laboratory, University Medical Center Utrecht
Classification: Benign. Review status: no assertion criteria provided. Collection method: clinical testing. Allele origin: germline. Affected: yes. Study: VKGL Data-share Consensus. Not counted in ClinVar's aggregate classification.

Joint Genome Diagnostic Labs from Nijmegen and Maastricht, Radboudumc and MUMC+
Classification: Benign. Review status: no assertion criteria provided. Collection method: clinical testing. Allele origin: germline. Affected: yes. Study: VKGL Data-share Consensus. Not counted in ClinVar's aggregate classification.